The following is an entry in ClinVar:

NM_000080.4(CHRNE):c.488C>G (p.Ser163Trp)

Genes: C17orf107 (chromosome 17 open reading frame 107; plus strand), CHRNE (cholinergic receptor nicotinic epsilon subunit; minus strand). Cytogenetic location: 17p13.2.
Variant type: single nucleotide variant.
Coding change: c.488C>G on transcript NM_000080.4 (MANE Select); coding-DNA position 488, C replaced by G.
Protein change: p.Ser163Trp; replaces serine 163 with tryptophan.
Molecular consequence: missense variant. On other transcripts: 3 prime UTR variant (1).
Genome position (GRCh38, 1-based): chr17:4,901,944, G>C on the plus strand (C>G on the coding strand, the complement: CHRNE is on the minus strand). VCF-style: chr17-4901944-G-C. GRCh37 (hg19) VCF-style: chr17-4805239-G-C.
Other names: c.*1411G>C (NM_001145536.2); short protein forms S163W.
Identifiers: ClinVar variation 1038740 (VCV001038740.11), dbSNP rs121909516, ClinGen allele CA8314443.

ClinVar aggregate classification (germline): Conflicting classifications of pathogenicity. Review status: criteria provided, conflicting classifications (1 of 4 stars). 5 submissions from 5 submitters: Likely pathogenic (2); Uncertain significance (2). 1 of the submissions does not count toward it. Last evaluated 2026-09-04.

Conditions:
Congenital myasthenic syndrome 4B. Also called: Myasthenic syndrome, congenital, 4b, fast-channel. Identifiers: Orphanet 590, MedGen C4225369, MONDO:0014586, OMIM 616324.
Congenital myasthenic syndrome 4A. Also called: CONGENITAL MYASTHENIC SYNDROME TYPE Ia1; Myasthenic syndrome, congenital, 4a, slow-channel; MYASTHENIC SYNDROME, CONGENITAL, 4A, SLOW-CHANNEL, AUTOSOMAL RECESSIVE. Identifiers: Orphanet 590, MedGen C4225413, MONDO:0011600, OMIM 605809.
Congenital myasthenic syndrome 4C (CMS4C). Also called: Myasthenic syndrome, congenital, associated with acetylcholine receptor deficiency. Identifiers: Orphanet 590, MedGen C1837091, MONDO:0012157, OMIM 608931.
Congenital myasthenic syndrome (CMS). Also called: Congenital Myasthenic Syndromes. Identifiers: Orphanet 590, MedGen C0751882, MeSH D020294, MONDO:0018940.

Allele frequency attached by ClinVar (database versions not stated): TOPMed 0.00017; 1000 Genomes Project 0.00040; 1000 Genomes Project 30x 0.00047.
gnomAD v4.1: 44 of 1,612,372 alleles (0.0027%); highest among the groups gnomAD compares: Middle Eastern, 0.066%; no homozygotes.

Submissions (5):

Myriad Genetics, Inc.
Classification: Uncertain significance for Congenital myasthenic syndrome. Last evaluated: 2026-09-04. Review status: criteria provided, single submitter. Criteria: Myriad Autosomal Dominant, Autosomal Recessive and X-Linked Classification Criteria (2023). Collection method: clinical testing. Allele origin: unknown.
Comment: NM_000080.3(CHRNE):c.488C>G(S163W) is a missense variant classified as a variant of uncertain significance in the context of congenital myasthenic syndrome, CHRNE-related. S163W has not been observed in cases with relevant disease. Relevant functional assessments of this variant are not available in the literature. S163W has been observed in referenced population frequency databases. In summary, there is insufficient evidence to classify NM_000080.3(CHRNE):c.488C>G(S163W) as pathogenic or benign. Please note: this variant was assessed in the context of healthy population screening.

Labcorp Genetics (formerly Invitae), Labcorp
Classification: Likely pathogenic for Congenital myasthenic syndrome 4A. Last evaluated: 2026-01-13. Review status: criteria provided, single submitter. Criteria: Invitae Variant Classification Sherloc (09022015). Collection method: clinical testing. Allele origin: germline.
Comment: This sequence change replaces serine, which is neutral and polar, with tryptophan, which is neutral and slightly polar, at codon 163 of the CHRNE protein (p.Ser163Trp). This variant is present in population databases (rs121909516, gnomAD 0.04%). This variant has not been reported in the literature in individuals affected with CHRNE-related conditions. ClinVar contains an entry for this variant (Variation ID: 1038740). Invitae Evidence Modeling of protein sequence and biophysical properties (such as structural, functional, and spatial information, amino acid conservation, physicochemical variation, residue mobility, and thermodynamic stability) indicates that this missense variant is expected to disrupt CHRNE protein function with a positive predictive value of 95%. This variant disrupts the p.Ser163 amino acid residue in CHRNE. Other variant(s) that disrupt this residue have been determined to be pathogenic (PMID: 8755487). This suggests that this residue is clinically significant, and that variants that disrupt this residue are likely to be disease-causing. In summary, the currently available evidence indicates that the variant is pathogenic, but additional data are needed to prove that conclusively. Therefore, this variant has been classified as Likely Pathogenic.

First Genomix Gene Laboratory, Genetic Diagnostics Department
Classification: Likely pathogenic for Congenital myasthenic syndrome 4A; Congenital myasthenic syndrome 4B; Congenital myasthenic syndrome 4C. Last evaluated: 2025-04-09. Review status: criteria provided, single submitter. Criteria: ACMG Guidelines, 2015. Collection method: clinical testing. Allele origin: germline. Inheritance: Autosomal recessive inheritance. Affected: no. Observed: 1 variant allele.

Revvity Omics, Revvity
Classification: Uncertain significance. Last evaluated: 2019-06-18. Review status: criteria provided, single submitter. Criteria: ACMG Guidelines, 2015. Collection method: clinical testing. Allele origin: germline.

Natera, Inc.
Classification: Uncertain significance for Congenital myasthenic syndrome. Last evaluated: 2020-09-25. Review status: no assertion criteria provided. Collection method: clinical testing. Allele origin: germline. Not counted in ClinVar's aggregate classification.

Literature cited by the submitters: PubMed 8755487 (cited by Labcorp Genetics (formerly Invitae), Labcorp).